The following is an entry in ClinVar:

ClinVar aggregate classification (germline): Uncertain significance (1 of 4 stars; one submission).

Conditions:
Autosomal recessive limb-girdle muscular dystrophy type 2J (LGMDR10). Also called: Limb-girdle muscular dystrophy, type 2J; MUSCULAR DYSTROPHY, LIMB-GIRDLE, AUTOSOMAL RECESSIVE 10. Identifiers: Orphanet 140922, MedGen C1837342, MONDO:0012127, OMIM 608807.
Dilated cardiomyopathy 1G (CMD1G). Identifiers: Orphanet 154, MedGen C1858763, MONDO:0011400, OMIM 604145.

gnomAD v4.1: 2 of 1,613,986 alleles (0.00012%); highest among the groups gnomAD compares: Non-Finnish European, 0.00017%; no homozygotes.

Submission:

Labcorp Genetics (formerly Invitae), Labcorp
Classification: Uncertain significance for Dilated cardiomyopathy 1G; Autosomal recessive limb-girdle muscular dystrophy type 2J. Last evaluated: 2024-03-12. Review status: criteria provided, single submitter. Criteria: Invitae Variant Classification Sherloc (09022015). Collection method: clinical testing. Allele origin: germline.
Comment: This sequence change replaces glutamine, which is neutral and polar, with proline, which is neutral and non-polar, at codon 34164 of the TTN protein (p.Gln34164Pro). This variant is not present in population databases (gnomAD no frequency). This variant has not been reported in the literature in individuals affected with TTN-related conditions. Experimental studies and prediction algorithms are not available or were not evaluated, and the functional significance of this variant is currently unknown. This variant is located in the M band of TTN (PMID: 25589632). Non-truncating variants in this region may be relevant for neuromuscular disorders, but have not been definitively shown to cause cardiomyopathy (PMID: 23975875). In summary, the available evidence is currently insufficient to determine the role of this variant in disease. Therefore, it has been classified as a Variant of Uncertain Significance.

Literature cited by the submitters: PubMed 25589632; PubMed 23975875.

NM_001267550.2(TTN):c.102491A>C (p.Gln34164Pro)

Genes: TTN (titin; minus strand), TTN-AS1 (TTN antisense RNA 1; plus strand). Cytogenetic location: 2q31.2.
Variant type: single nucleotide variant.
Coding change: c.102491A>C on transcript NM_001267550.2 (MANE Select); coding-DNA position 102491, A replaced by C.
Protein change: p.Gln34164Pro; replaces glutamine 34164 with proline.
Molecular consequence: missense variant.
Genome position (GRCh38, 1-based): chr2:178,534,124, T>G on the plus strand (A>C on the coding strand, the complement: TTN is on the minus strand). VCF-style: chr2-178534124-T-G. GRCh37 (hg19) VCF-style: chr2-179398851-T-G.
Other names: c.97568A>C, p.Gln32523Pro (NM_001256850.1); c.75296A>C, p.Gln25099Pro (NM_003319.4); c.94787A>C, p.Gln31596Pro (NM_133378.4); c.75671A>C, p.Gln25224Pro (NM_133432.3); c.75872A>C, p.Gln25291Pro (NM_133437.4); short protein forms Q25099P, Q25224P, Q25291P, Q31596P, Q32523P, Q34164P.
Identifiers: ClinVar variation 3763939 (VCV003763939.2).